The following is an entry in ClinVar:

NM_000038.6(APC):c.3864A>T (p.Gly1288=)

Gene: APC (APC regulator of Wnt signaling pathway; plus strand). Cytogenetic location: 5q22.2.
Variant type: single nucleotide variant.
Coding change: c.3864A>T on transcript NM_000038.6 (MANE Select); coding-DNA position 3864, A replaced by T.
Protein change: p.Gly1288=; no amino-acid change (glycine 1288 retained).
Molecular consequence: synonymous variant. On other transcripts: non-coding transcript variant (2).
Genome position (GRCh38, 1-based): chr5:112,839,458, A>T. VCF-style: chr5-112839458-A-T. GRCh37 (hg19) VCF-style: chr5-112175155-A-T.
Other names: c.3864A>T, p.Gly1288= (NM_001127510.3, NM_001354895.2, NM_001407450.1); c.3810A>T, p.Gly1270= (NM_001127511.3); c.3918A>T, p.Gly1306= (NM_001354896.2, NM_001407447.1, NM_001407448.1 and 1 more transcripts); c.3894A>T, p.Gly1298= (NM_001354897.2); c.3789A>T, p.Gly1263= (NM_001354898.2); c.3780A>T, p.Gly1260= (NM_001354899.2); c.3741A>T, p.Gly1247= (NM_001354900.2); c.3687A>T, p.Gly1229= (NM_001354901.2, NM_001407453.1); and 11 more.
Identifiers: ClinVar variation 3148128 (VCV003148128.1), dbSNP rs2149900810, ClinGen allele CA445963756.

ClinVar aggregate classification (germline): Benign (1 of 4 stars; one submission).

Conditions:
Familial adenomatous polyposis 1 (FAP1). Also called: POLYPOSIS, ADENOMATOUS INTESTINAL; FAMILIAL ADENOMATOUS POLYPOSIS 1, ATTENUATED. Identifiers: MedGen C2713442, MONDO:0021056, OMIM 175100. Disease mechanism: loss of function.

Allele frequency attached by ClinVar (database versions not stated): gnomAD exomes below 0.00001.
gnomAD v4.1: 2 of 1,614,194 alleles (0.00012%); highest among the groups gnomAD compares: Non-Finnish European, 0.00017%; no homozygotes.

Submission:

Myriad Genetics, Inc.
Classification: Benign for Familial adenomatous polyposis 1. Last evaluated: 2024-03-22. Review status: criteria provided, single submitter. Criteria: Myriad Autosomal Dominant, Autosomal Recessive and X-Linked Classification Criteria (2023). Collection method: clinical testing. Allele origin: unknown.
Comment: This variant is considered benign. This variant is a silent/synonymous amino acid change and it is not expected to impact splicing.